The following is an entry in ClinVar:

NM_024642.5(GALNT12):c.1152T>G (p.Ala384=)

Gene: GALNT12 (polypeptide N-acetylgalactosaminyltransferase 12; plus strand). Cytogenetic location: 9q22.33.
Variant type: single nucleotide variant.
Coding change: c.1152T>G on transcript NM_024642.5 (MANE Select); coding-DNA position 1152, T replaced by G.
Protein change: p.Ala384=; no amino-acid change (alanine 384 retained).
Molecular consequence: synonymous variant.
Genome position (GRCh38, 1-based): chr9:98,837,088, T>G. VCF-style: chr9-98837088-T-G. GRCh37 (hg19) VCF-style: chr9-101599370-T-G.
Identifiers: ClinVar variation 3518461 (VCV003518461.2).
Genomic context (GRCh38, chr9:98,837,088, plus strand): 5'-TTTCCCCAAGCAAGCTCCCTACTCCCGCAACAAGGCTCTGGCCAACAGTGTTCGTGCAGC[T>G]GAAGTATGGATGGATGAATTTAAAGAGCTCTACTACCATCGCAACCCCCGTGCCCGCTTG-3'
Protein context (NP_078918.3, residues 374-394): NKALANSVRA[Ala384=]EVWMDEFKEL

ClinVar aggregate classification (germline): Benign/Likely benign. Review status: criteria provided, multiple submitters, no conflicts (2 of 4 stars). 2 submissions from 2 submitters: Benign (1); Likely benign (1). Last evaluated 2026-04-27.

Conditions:
Colorectal cancer, susceptibility to, 1. Also called: COLORECTAL ADENOMA AND CANCER, SUSCEPTIBILITY TO; COLORECTAL CANCER, SUSCEPTIBILITY TO, ON CHROMOSOME 9. Identifiers: MedGen C1837315, MONDO:0012132, OMIM 608812.

Submissions (2):

Myriad Genetics, Inc.
Classification: Benign for Colorectal cancer, susceptibility to, 1. Last evaluated: 2026-04-27. Review status: criteria provided, single submitter. Criteria: Myriad Autosomal Dominant, Autosomal Recessive and X-Linked Classification Criteria (2023). Collection method: clinical testing. Allele origin: unknown.
Comment: This variant is considered benign. This variant is a silent/synonymous amino acid change and it is not expected to impact splicing.

Ambry Genetics
Classification: Likely benign. Last evaluated: 2024-06-25. Review status: criteria provided, single submitter. Criteria: Ambry Variant Classification Scheme 2023. Collection method: clinical testing. Allele origin: germline.